The following is an entry in ClinVar:

NM_031448.6(C19orf12):c.*47T>C

Gene: C19orf12 (chromosome 19 open reading frame 12; minus strand). Cytogenetic location: 19q12.
Variant type: single nucleotide variant.
Coding change: c.*47T>C on transcript NM_031448.6 (MANE Select); 47 bases downstream of the stop codon, T replaced by C.
Molecular consequence: 3 prime UTR variant.
Genome position (GRCh38, 1-based): chr19:29,702,665, A>G on the plus strand (T>C on the coding strand, the complement: C19orf12 is on the minus strand). VCF-style: chr19-29702665-A-G. GRCh37 (hg19) VCF-style: chr19-30193572-A-G.
Other names: c.*47T>C (NM_001031726.4, NM_001256047.2, NM_001282929.1 and 2 more transcripts); c.*94T>C (NM_001256046.3).
Identifiers: ClinVar variation 328728 (VCV000328728.7), dbSNP rs111959875, ClinGen allele CA9351841.

ClinVar aggregate classification (germline): Benign/Likely benign. Review status: criteria provided, multiple submitters, no conflicts (2 of 4 stars). 2 submissions from 2 submitters: Benign (1); Likely benign (1). Last evaluated 2018-06-28.

Conditions:
Neurodegeneration with brain iron accumulation 4 (NBIA4). Also called: MITOCHONDRIAL PROTEIN-ASSOCIATED NEURODEGENERATION. Identifiers: Orphanet 289560, MedGen C3280371, MONDO:0013674, OMIM 614298. Disease mechanism: loss of function.

Allele frequency attached by ClinVar (database versions not stated): gnomAD exomes 0.00100 and 0.00235; ExAC 0.00308; gnomAD 0.00973 and 0.01048; ESP Exome Variant Server 0.01039; TOPMed 0.01102; 1000 Genomes Project 30x 0.01187; 1000 Genomes Project 0.01238.
gnomAD v4.1: 3,000 of 1,611,286 alleles (0.19%); highest among the groups gnomAD compares: African/African-American, 3.6%; 46 homozygotes.

Submissions (2):

GeneDx
Classification: Likely benign. Last evaluated: 2018-06-28. Review status: criteria provided, single submitter. Criteria: GeneDx Variant Classification Process June 2021. Collection method: clinical testing. Allele origin: germline. Affected: yes.

Illumina Laboratory Services, Illumina
Classification: Benign for Neurodegeneration with brain iron accumulation 4. Last evaluated: 2018-01-13. Review status: criteria provided, single submitter. Criteria: ICSL Variant Classification Criteria 13 December 2019. Collection method: clinical testing. Allele origin: germline.
Comment: This variant was observed in the ICSL laboratory as part of a predisposition screen in an ostensibly healthy population. It had not been previously curated by ICSL or reported in the Human Gene Mutation Database (HGMD: prior to June 1st, 2018), and was therefore a candidate for classification through an automated scoring system. Utilizing variant allele frequency, disease prevalence and penetrance estimates, and inheritance mode, an automated score was calculated to assess if this variant is too frequent to cause the disease. Based on the score and internal cut-off values, a variant classified as benign is not then subjected to further curation. The score for this variant resulted in a classification of benign for this disease.